The following is an entry in ClinVar:

ClinVar aggregate classification (germline): Uncertain significance (1 of 4 stars; one submission).

Conditions:
Desbuquois dysplasia 1 (DBQD1). Also called: MICROMELIC DWARFISM WITH VERTEBRAL AND METAPHYSEAL ABNORMALITIES AND ADVANCED CARPOTARSAL OSSIFICATION; DESBUQUOIS DYSPLASIA 1, KIM VARIANT. Identifiers: Orphanet 1425, MedGen C4012146, MONDO:0009629, OMIM 251450.

gnomAD v4.1: 8 of 1,232,640 alleles (0.00065%); highest among the groups gnomAD compares: Non-Finnish European, 0.00071%; no homozygotes.

Submission:

Labcorp Genetics (formerly Invitae), Labcorp
Classification: Uncertain significance for Desbuquois dysplasia 1. Last evaluated: 2025-06-09. Review status: criteria provided, single submitter. Criteria: Invitae Variant Classification Sherloc (09022015). Collection method: clinical testing. Allele origin: germline.
Comment: This sequence change replaces arginine, which is basic and polar, with proline, which is neutral and non-polar, at codon 106 of the XYLT1 protein (p.Arg106Pro). This variant is not present in population databases (gnomAD no frequency). This variant has not been reported in the literature in individuals affected with XYLT1-related conditions. ClinVar contains an entry for this variant (Variation ID: 1382302). Invitae Evidence Modeling of protein sequence and biophysical properties (such as structural, functional, and spatial information, amino acid conservation, physicochemical variation, residue mobility, and thermodynamic stability) indicates that this missense variant is not expected to disrupt XYLT1 protein function with a negative predictive value of 80%. In summary, the available evidence is currently insufficient to determine the role of this variant in disease. Therefore, it has been classified as a Variant of Uncertain Significance.

NM_022166.4(XYLT1):c.317G>C (p.Arg106Pro)

Gene: XYLT1 (xylosyltransferase 1; minus strand). Cytogenetic location: 16p12.3.
Variant type: single nucleotide variant.
Coding change: c.317G>C on transcript NM_022166.4 (MANE Select); coding-DNA position 317, G replaced by C.
Protein change: p.Arg106Pro; replaces arginine 106 with proline.
Molecular consequence: missense variant.
Genome position (GRCh38, 1-based): chr16:17,470,480, C>G on the plus strand (G>C on the coding strand, the complement: XYLT1 is on the minus strand). VCF-style: chr16-17470480-C-G. GRCh37 (hg19) VCF-style: chr16-17564337-C-G.
Other names: short protein forms R106P.
Identifiers: ClinVar variation 1382302 (VCV001382302.6), dbSNP rs1438453537, ClinGen allele CA395219966.